The following is an entry in ClinVar:

ClinVar aggregate classification (germline): Benign. Review status: criteria provided, multiple submitters, no conflicts (2 of 4 stars). 6 submissions from 6 submitters: Benign (6). Last evaluated 2026-01-31.

Conditions:
Congenital myasthenic syndrome 9. Also called: Myasthenic syndrome, congenital, 9, associated with acetylcholine receptor deficiency. Identifiers: Orphanet 590, MedGen C4225368, MONDO:0014587, OMIM 616325.
Fetal akinesia deformation sequence 1 (FADS1). Also called: Pena-Shokeir syndrome type I; Fetal akinesia sequence. Identifiers: Orphanet 994, MedGen C1276035, MONDO:0100101, OMIM 208150, HP:0001989.

Allele frequency attached by ClinVar (database versions not stated): gnomAD exomes 0.00161 and 0.00086; gnomAD 0.00659 and 0.00615; ExAC 0.00172; 1000 Genomes Project 30x 0.00515; 1000 Genomes Project 0.00559; ESP Exome Variant Server 0.00505; TOPMed 0.00668.
gnomAD v4.1: 2,268 of 1,613,726 alleles (0.14%); highest among the groups gnomAD compares: African/African-American, 2%; 21 homozygotes.

Submissions (6):

Labcorp Genetics (formerly Invitae), Labcorp
Classification: Benign for Congenital myasthenic syndrome 9; Fetal akinesia deformation sequence 1. Last evaluated: 2026-01-31. Review status: criteria provided, single submitter. Criteria: Invitae Variant Classification Sherloc (09022015). Collection method: clinical testing. Allele origin: germline.

Mayo Clinic Laboratories, Mayo Clinic
Classification: Benign. Last evaluated: 2024-11-27. Review status: criteria provided, single submitter. Criteria: ACMG Guidelines, 2015. Collection method: clinical testing. Allele origin: germline. Observed: 2 variant alleles.
Comment: BA1, BS2

GeneDx
Classification: Benign. Last evaluated: 2018-03-13. Review status: criteria provided, single submitter. Criteria: GeneDx Variant Classification (06012015). Collection method: clinical testing. Allele origin: germline. Affected: yes.
Comment: This variant is considered likely benign or benign based on one or more of the following criteria: it is a conservative change, it occurs at a poorly conserved position in the protein, it is predicted to be benign by multiple in silico algorithms, and/or has population frequency not consistent with disease.

Illumina Laboratory Services, Illumina
Classification: Benign for Congenital myasthenic syndrome 9. Last evaluated: 2018-01-13. Review status: criteria provided, single submitter. Criteria: ICSL Variant Classification Criteria 13 December 2019. Collection method: clinical testing. Allele origin: germline.
Comment: This variant was observed in the ICSL laboratory as part of a predisposition screen in an ostensibly healthy population. It had not been previously curated by ICSL or reported in the Human Gene Mutation Database (HGMD: prior to June 1st, 2018), and was therefore a candidate for classification through an automated scoring system. Utilizing variant allele frequency, disease prevalence and penetrance estimates, and inheritance mode, an automated score was calculated to assess if this variant is too frequent to cause the disease. Based on the score and internal cut-off values, a variant classified as benign is not then subjected to further curation. The score for this variant resulted in a classification of benign for this disease.

Breakthrough Genomics
Classification: Benign. Review status: criteria provided, single submitter. Criteria: ACMG Guidelines, 2015. Collection method: not provided. Allele origin: germline. Inheritance: Autosomal recessive inheritance. Affected: yes.

PreventionGenetics, part of Exact Sciences
Classification: Benign. Review status: criteria provided, single submitter. Criteria: ACMG Guidelines, 2015. Collection method: clinical testing. Allele origin: germline.

NM_005592.4(MUSK):c.1189T>C (p.Tyr397His)

Gene: MUSK (muscle associated receptor tyrosine kinase; plus strand). Cytogenetic location: 9q31.3.
Variant type: single nucleotide variant.
Coding change: c.1189T>C on transcript NM_005592.4 (MANE Select); coding-DNA position 1189, T replaced by C.
Protein change: p.Tyr397His; replaces tyrosine 397 with histidine.
Molecular consequence: missense variant. On other transcripts: 5 prime UTR variant (1).
Genome position (GRCh38, 1-based): chr9:110,775,792, T>C. VCF-style: chr9-110775792-T-C. GRCh37 (hg19) VCF-style: chr9-113538072-T-C.
Other names: p.Tyr397His; c.955T>C, p.Tyr319His (NM_001166280.2); c.925T>C, p.Tyr309His (NM_001166281.2); c.-48T>C (NM_001369398.1); short protein forms Y397H, Y319H, Y309H.
Identifiers: ClinVar variation 259799 (VCV000259799.18), dbSNP rs79843573, ClinGen allele CA5184304.